The following is an entry in ClinVar:

NM_001206999.2(CIT):c.5080C>A (p.Arg1694=)

Gene: CIT (citron rho-interacting serine/threonine kinase; minus strand). Cytogenetic location: 12q24.23.
Variant type: single nucleotide variant.
Coding change: c.5080C>A on transcript NM_001206999.2 (MANE Select); coding-DNA position 5080, C replaced by A.
Protein change: p.Arg1694=; no amino-acid change (arginine 1694 retained).
Molecular consequence: synonymous variant.
Genome position (GRCh38, 1-based): chr12:119,708,310, G>T on the plus strand (C>A on the coding strand, the complement: CIT is on the minus strand). VCF-style: chr12-119708310-G-T. GRCh37 (hg19) VCF-style: chr12-120146115-G-T.
Other names: c.4954C>A, p.Arg1652= (NM_007174.3).
Identifiers: ClinVar variation 5039349 (VCV005039349.1).

ClinVar aggregate classification (germline): Likely benign (1 of 4 stars; one submission).

gnomAD v4.1: 150 of 1,589,752 alleles (0.0094%); highest among the groups gnomAD compares: South Asian, 0.16%; no homozygotes.

Submission:

CeGaT Center for Human Genetics Tuebingen
Classification: Likely benign. Last evaluated: 2026-07-01. Review status: criteria provided, single submitter. Criteria: CeGaT Center For Human Genetics Tuebingen Variant Classification Criteria Version 2. Collection method: clinical testing. Allele origin: germline. Affected: yes. Observed: 1 variant allele.
Comment: CIT: BP4, BP7